The following is an entry in ClinVar:

ClinVar aggregate classification (germline): Uncertain significance (1 of 4 stars; one submission).

Conditions:
Congenital contractural arachnodactyly (CCA). Also called: BEALS SYNDROME; Beals-Hecht syndrome; Arthrogryposis, distal, type 9. Identifiers: Orphanet 115, MedGen C0220668, MONDO:0007363, OMIM 121050.

Allele frequency attached by ClinVar (database versions not stated): gnomAD exomes below 0.00001; TOPMed below 0.00001; gnomAD 0.00001.
gnomAD v4.1: 4 of 1,613,750 alleles (0.00025%); highest among the groups gnomAD compares: Non-Finnish European, 0.00034%; no homozygotes.

Submission:

Labcorp Genetics (formerly Invitae), Labcorp
Classification: Uncertain significance for Congenital contractural arachnodactyly. Last evaluated: 2023-04-07. Review status: criteria provided, single submitter. Criteria: Invitae Variant Classification Sherloc (09022015). Collection method: clinical testing. Allele origin: germline.
Comment: Advanced modeling of protein sequence and biophysical properties (such as structural, functional, and spatial information, amino acid conservation, physicochemical variation, residue mobility, and thermodynamic stability) has been performed at Invitae for this missense variant, however the output from this modeling did not meet the statistical confidence thresholds required to predict the impact of this variant on FBN2 protein function. This sequence change replaces glutamic acid, which is acidic and polar, with glycine, which is neutral and non-polar, at codon 960 of the FBN2 protein (p.Glu960Gly). This variant is not present in population databases (gnomAD no frequency). This variant has not been reported in the literature in individuals affected with FBN2-related conditions. In summary, the available evidence is currently insufficient to determine the role of this variant in disease. Therefore, it has been classified as a Variant of Uncertain Significance.

NM_001999.4(FBN2):c.2879A>G (p.Glu960Gly)

Gene: FBN2 (fibrillin 2; minus strand). Cytogenetic location: 5q23.3.
Variant type: single nucleotide variant.
Coding change: c.2879A>G on transcript NM_001999.4 (MANE Select); coding-DNA position 2879, A replaced by G.
Protein change: p.Glu960Gly; replaces glutamic acid 960 with glycine.
Molecular consequence: missense variant.
Genome position (GRCh38, 1-based): chr5:128,349,457, T>C on the plus strand (A>G on the coding strand, the complement: FBN2 is on the minus strand). VCF-style: chr5-128349457-T-C. GRCh37 (hg19) VCF-style: chr5-127685149-T-C.
Other names: short protein forms E960G.
Identifiers: ClinVar variation 2905928 (VCV002905928.3), dbSNP rs1213771482, ClinGen allele CA360765536.